The following is an entry in ClinVar:

ClinVar aggregate classification (germline): Conflicting classifications of pathogenicity. Review status: criteria provided, conflicting classifications (1 of 4 stars). 6 submissions from 6 submitters: Uncertain significance (4); Likely benign (2). Last evaluated 2024-09-11.

Conditions:
Inborn genetic diseases. Identifiers: MedGen C0950123, MeSH D030342.
Hermansky-Pudlak syndrome 4 (HPS4). Identifiers: Orphanet 231500, Orphanet 79430, MedGen C3484357, MONDO:0013556, OMIM 614073.

Allele frequency attached by ClinVar (database versions not stated): gnomAD 0.00005 and 0.00006; ExAC 0.00008; gnomAD exomes 0.00008 and 0.00014; TOPMed 0.00009; 1000 Genomes Project 0.00020; 1000 Genomes Project 30x 0.00031.

Submissions (6):

Blueprint Genetics
Classification: Likely benign. Last evaluated: 2024-09-11. Review status: criteria provided, single submitter. Criteria: ACMG Guidelines, 2015. Collection method: clinical testing. Allele origin: germline.

Women's Health and Genetics/Laboratory Corporation of America, LabCorp
Classification: Uncertain significance. Last evaluated: 2024-05-07. Review status: criteria provided, single submitter. Criteria: LabCorp Variant Classification Summary - May 2015. Collection method: clinical testing. Allele origin: germline.
Comment: Variant summary: HPS4 c.1232G>A (p.Ser411Asn) results in a conservative amino acid change in the encoded protein sequence. Five of five in-silico tools predict a benign effect of the variant on protein function. The variant allele was found at a frequency of 8.4e-05 in 251380 control chromosomes. This frequency is not significantly higher than estimated for a pathogenic variant in HPS4 causing Hermansky-Pudlak Syndrome (8.4e-05 vs 0.00052), allowing no conclusion about variant significance. To our knowledge, no occurrence of c.1232G>A in individuals affected with Hermansky-Pudlak Syndrome and no experimental evidence demonstrating its impact on protein function have been reported. ClinVar contains an entry for this variant (Variation ID: 341009). Based on the evidence outlined above, the variant was classified as uncertain significance.

Ambry Genetics
Classification: Likely benign for Inborn genetic diseases. Last evaluated: 2023-05-17. Review status: criteria provided, single submitter. Criteria: Ambry Variant Classification Scheme 2023. Collection method: clinical testing. Allele origin: germline.

Labcorp Genetics (formerly Invitae), Labcorp
Classification: Uncertain significance. Last evaluated: 2022-08-23. Review status: criteria provided, single submitter. Criteria: Invitae Variant Classification Sherloc (09022015). Collection method: clinical testing. Allele origin: germline.
Comment: This sequence change replaces serine, which is neutral and polar, with asparagine, which is neutral and polar, at codon 411 of the HPS4 protein (p.Ser411Asn). This variant is present in population databases (rs201043011, gnomAD 0.1%). This variant has not been reported in the literature in individuals affected with HPS4-related conditions. ClinVar contains an entry for this variant (Variation ID: 341009). Algorithms developed to predict the effect of missense changes on protein structure and function output the following: SIFT: "Tolerated"; PolyPhen-2: "Benign"; Align-GVGD: "Class C0". The asparagine amino acid residue is found in multiple mammalian species, which suggests that this missense change does not adversely affect protein function. In summary, the available evidence is currently insufficient to determine the role of this variant in disease. Therefore, it has been classified as a Variant of Uncertain Significance.

Department of Pathology and Laboratory Medicine, Sinai Health System
Classification: Uncertain significance for Hermansky-Pudlak syndrome 4. Last evaluated: 2021-09-11. Review status: criteria provided, single submitter. Criteria: ACMG Guidelines, 2015. Collection method: research. Allele origin: germline.

Illumina Laboratory Services, Illumina
Classification: Uncertain significance for Hermansky-Pudlak syndrome 4. Last evaluated: 2018-01-13. Review status: criteria provided, single submitter. Criteria: ICSL Variant Classification Criteria 13 December 2019. Collection method: clinical testing. Allele origin: germline.

NM_022081.6(HPS4):c.1232G>A (p.Ser411Asn)

Gene: HPS4 (HPS4 biogenesis of lysosomal organelles complex 3 subunit 2; minus strand). Cytogenetic location: 22q12.1.
Variant type: single nucleotide variant.
Coding change: c.1232G>A on transcript NM_022081.6 (MANE Select); coding-DNA position 1232, G replaced by A.
Protein change: p.Ser411Asn; replaces serine 411 with asparagine.
Molecular consequence: missense variant. On other transcripts: non-coding transcript variant (8).
Genome position (GRCh38, 1-based): chr22:26,464,398, C>T on the plus strand (G>A on the coding strand, the complement: HPS4 is on the minus strand). VCF-style: chr22-26464398-C-T. GRCh37 (hg19) VCF-style: chr22-26860364-C-T.
Other names: c.1232G>A (NM_022081.4); c.1232G>A, p.Ser411Asn (NM_001349896.1, NM_001349898.2, NM_001349899.2 and 4 more transcripts); c.1286G>A, p.Ser429Asn (NM_001349900.2, NM_001349901.1); c.1217G>A, p.Ser406Asn (NM_152841.2); short protein forms S411N, S406N, S429N.
Identifiers: ClinVar variation 341009 (VCV000341009.12), dbSNP rs201043011, ClinGen allele CA10163370.